The following is an entry in ClinVar:

NM_024675.4(PALB2):c.174G>T (p.Leu58Phe)

Gene: PALB2 (partner and localizer of BRCA2; minus strand). Cytogenetic location: 16p12.2.
Variant type: single nucleotide variant.
Coding change: c.174G>T on transcript NM_024675.4 (MANE Select); coding-DNA position 174, G replaced by T.
Protein change: p.Leu58Phe; replaces leucine 58 with phenylalanine.
Molecular consequence: missense variant.
Genome position (GRCh38, 1-based): chr16:23,637,887, C>A on the plus strand (G>T on the coding strand, the complement: PALB2 is on the minus strand). VCF-style: chr16-23637887-C-A. GRCh37 (hg19) VCF-style: chr16-23649208-C-A.
Other names: c.114G>T, p.Leu38Phe (NM_001407296.1); c.174G>T, p.Leu58Phe (NM_001407297.1, NM_001407298.1, NM_001407299.1 and 3 more transcripts); c.-712G>T (NM_001407304.1, NM_001407305.1, NM_001407306.1 and 5 more transcripts); short protein forms L58F, L38F.
Identifiers: ClinVar variation 1993884 (VCV001993884.5), dbSNP rs775243719, ClinGen allele CA395139112.

ClinVar aggregate classification (germline): Uncertain significance. Review status: criteria provided, multiple submitters, no conflicts (2 of 4 stars). 2 submissions from 2 submitters: Uncertain significance (2). Last evaluated 2026-06-26.

Conditions:
Familial cancer of breast. Also called: Hereditary breast cancer; BREAST CANCER, FAMILIAL; hereditary breast carcinoma. Identifiers: Orphanet 227535, MedGen C0346153, MONDO:0016419, OMIM 114480. Disease mechanism: loss of function.
Hereditary cancer-predisposing syndrome. Also called: Hereditary neoplastic syndrome; Neoplastic Syndromes, Hereditary; Tumor predisposition; Hereditary Cancer Syndrome. Identifiers: Orphanet 140162, MedGen C0027672, MeSH D009386, MONDO:0015356.

gnomAD v4.1: 1 of 1,613,988 alleles (0.000062%); highest among the groups gnomAD compares: Non-Finnish European, 0.000085%; no homozygotes.

Submissions (2):

Ambry Genetics
Classification: Uncertain significance for Hereditary cancer-predisposing syndrome. Last evaluated: 2026-06-26. Review status: criteria provided, single submitter. Criteria: Ambry Variant Classification Scheme 2023. Collection method: clinical testing. Allele origin: germline.
Comment: The p.L58F variant (also known as c.174G>T), located in coding exon 3 of the PALB2 gene, results from a G to T substitution at nucleotide position 174. The leucine at codon 58 is replaced by phenylalanine, an amino acid with highly similar properties. This amino acid position is conserved. In addition, this alteration is predicted to be tolerated by in silico analysis. Based on the available evidence, the clinical significance of this variant remains unclear.

Labcorp Genetics (formerly Invitae), Labcorp
Classification: Uncertain significance for Familial cancer of breast. Last evaluated: 2023-10-10. Review status: criteria provided, single submitter. Criteria: Invitae Variant Classification Sherloc (09022015). Collection method: clinical testing. Allele origin: germline.
Comment: This sequence change replaces leucine, which is neutral and non-polar, with phenylalanine, which is neutral and non-polar, at codon 58 of the PALB2 protein (p.Leu58Phe). This variant is not present in population databases (gnomAD no frequency). This variant has not been reported in the literature in individuals affected with PALB2-related conditions. ClinVar contains an entry for this variant (Variation ID: 1993884). Algorithms developed to predict the effect of missense changes on protein structure and function output the following: SIFT: "Not Available"; PolyPhen-2: "Possibly Damaging"; Align-GVGD: "Not Available". The phenylalanine amino acid residue is found in multiple mammalian species, which suggests that this missense change does not adversely affect protein function. In summary, the available evidence is currently insufficient to determine the role of this variant in disease. Therefore, it has been classified as a Variant of Uncertain Significance.